The following is an entry in ClinVar:

ClinVar aggregate classification (germline): Benign/Likely benign. Review status: criteria provided, multiple submitters, no conflicts (2 of 4 stars). 10 submissions from 9 submitters: Benign (1); Likely benign (7). 2 of the submissions do not count toward it. Last evaluated 2026-02-01.

Conditions:
LAMB2-related infantile-onset nephrotic syndrome. Also called: Nephrotic Syndrome, type 5; NEPHROTIC SYNDROME, TYPE 5, WITHOUT OCULAR ABNORMALITIES; NEPHROTIC SYNDROME, TYPE 5, WITH OCULAR ABNORMALITIES. Identifiers: Orphanet 306507, MedGen C3280113, MONDO:0013621, OMIM 614199.
Focal segmental glomerulosclerosis (FSGS). Also called: Glomerulosclerosis, focal; Focal sclerosis with hyalinosis. Identifiers: MedGen C0017668, MONDO:0100313, HP:0000097. Disease mechanism: loss of function.
Pierson syndrome. Also called: MICROCORIA-CONGENITAL NEPHROTIC SYNDROME. Identifiers: Orphanet 2670, MedGen C1836876, MONDO:0012184, OMIM 609049.

Allele frequency attached by ClinVar (database versions not stated): 1000 Genomes Project 0.00020; 1000 Genomes Project 30x 0.00031; TOPMed 0.00151; gnomAD 0.00165 and 0.00167; gnomAD exomes 0.00167 and 0.00237; ESP Exome Variant Server 0.00200; ExAC 0.00216.
gnomAD v4.1: 3,692 of 1,613,614 alleles (0.23%); highest among the groups gnomAD compares: Non-Finnish European, 0.28%; 4 homozygotes.

Submissions (10):

Labcorp Genetics (formerly Invitae), Labcorp
Classification: Benign for LAMB2-related infantile-onset nephrotic syndrome; Pierson syndrome. Last evaluated: 2026-02-01. Review status: criteria provided, single submitter. Criteria: Invitae Variant Classification Sherloc (09022015). Collection method: clinical testing. Allele origin: germline.

Blueprint Genetics
Classification: Likely benign. Last evaluated: 2024-11-13. Review status: criteria provided, single submitter. Criteria: ACMG Guidelines, 2015. Collection method: clinical testing. Allele origin: germline.

CeGaT Center for Human Genetics Tuebingen
Classification: Likely benign. Last evaluated: 2024-11-01. Review status: criteria provided, single submitter. Criteria: CeGaT Center For Human Genetics Tuebingen Variant Classification Criteria Version 2. Collection method: clinical testing. Allele origin: germline. Affected: yes. Observed: 2 variant alleles.
Comment: LAMB2: BP4, BP7

Fulgent Genetics
Classification: Likely benign for Pierson syndrome; LAMB2-related infantile-onset nephrotic syndrome. Last evaluated: 2021-10-07. Review status: criteria provided, single submitter. Criteria: ACMG Guidelines, 2015. Collection method: clinical testing. Allele origin: unknown.

Genome Diagnostics Laboratory, The Hospital for Sick Children
Classification: Likely benign for Focal segmental glomerulosclerosis. Last evaluated: 2021-04-28. Review status: criteria provided, single submitter. Criteria: ACMG Guidelines, 2015. Collection method: clinical testing. Allele origin: germline.

Illumina Laboratory Services, Illumina
Classification: Likely benign for Pierson syndrome. Last evaluated: 2018-01-12. Review status: criteria provided, single submitter. Criteria: ICSL Variant Classification Criteria 13 December 2019. Collection method: clinical testing. Allele origin: germline.
Comment: This variant was observed in the ICSL laboratory as part of a predisposition screen in an ostensibly healthy population. It had not been previously curated by ICSL or reported in the Human Gene Mutation Database (HGMD: prior to June 1st, 2018), and was therefore a candidate for classification through an automated scoring system. Utilizing variant allele frequency, disease prevalence and penetrance estimates, and inheritance mode, an automated score was calculated to assess if this variant is too frequent to cause the disease. Based on the score and internal cut-off values, a variant classified as likely benign is not then subjected to further curation. The score for this variant resulted in a classification of likely benign for this disease.

Illumina Laboratory Services, Illumina
Classification: Likely benign for LAMB2-related infantile-onset nephrotic syndrome. Last evaluated: 2018-01-12. Review status: criteria provided, single submitter. Criteria: ICSL Variant Classification Criteria 13 December 2019. Collection method: clinical testing. Allele origin: germline.
Comment: the same text as in the submission from Illumina Laboratory Services, Illumina above.

Breakthrough Genomics
Classification: Likely benign. Review status: criteria provided, single submitter. Criteria: ACMG Guidelines, 2015. Collection method: not provided. Allele origin: germline. Inheritance: Autosomal recessive inheritance. Affected: yes.

Clinical Genetics DNA and cytogenetics Diagnostics Lab, Erasmus MC, Erasmus Medical Center
Classification: Likely benign. Review status: no assertion criteria provided. Collection method: clinical testing. Allele origin: germline. Affected: yes. Study: VKGL Data-share Consensus. Not counted in ClinVar's aggregate classification.

Genome Diagnostics Laboratory, University Medical Center Utrecht
Classification: Likely benign. Review status: no assertion criteria provided. Collection method: clinical testing. Allele origin: germline. Affected: yes. Study: VKGL Data-share Consensus. Not counted in ClinVar's aggregate classification.

NM_002292.4(LAMB2):c.510C>T (p.Arg170=)

Gene: LAMB2 (laminin subunit beta 2; minus strand). Cytogenetic location: 3p21.31.
Variant type: single nucleotide variant.
Coding change: c.510C>T on transcript NM_002292.4 (MANE Select); coding-DNA position 510, C replaced by T.
Protein change: p.Arg170=; no amino-acid change (arginine 170 retained).
Molecular consequence: synonymous variant.
Genome position (GRCh38, 1-based): chr3:49,131,673, G>A on the plus strand (C>T on the coding strand, the complement: LAMB2 is on the minus strand). VCF-style: chr3-49131673-G-A. GRCh37 (hg19) VCF-style: chr3-49169106-G-A.
Identifiers: ClinVar variation 472493 (VCV000472493.44), dbSNP rs149856537, ClinGen allele CA2394900.
Genomic context (GRCh38, chr3:49,131,673, plus strand): 5'-TGGGACTCCTGGGAAGTCAGCCCCACAGTCATAGGAGAAATATCGGTACACATGCCAGGT[G>A]CGGCCAAAGTCTGCTGAGCGTTCCACCAGCATGGCAGCAGGGCGAAATGTCTGGGTAGGG-3'
Protein context (NP_002283.3, residues 160-180): MLVERSADFG[Arg170=]TWHVYRYFSY